The following is an entry in ClinVar:

ClinVar aggregate classification (germline): Likely pathogenic (1 of 4 stars; one submission).

Conditions:
Polycystic kidney disease 3 with or without polycystic liver disease. Also called: POLYCYSTIC KIDNEY DISEASE, ADULT, TYPE III; Polycystic kidney disease 3; Polycystic Kidney and/or Polycystic Liver Disease 3. Identifiers: MedGen C3887964, MONDO:0010916, OMIM 600666.

Submission:

3billion
Classification: Likely pathogenic for Polycystic kidney disease 3 with or without polycystic liver disease. Last evaluated: 2024-11-19. Review status: criteria provided, single submitter. Criteria: ACMG Guidelines, 2015. Collection method: clinical testing. Allele origin: germline. Affected: yes.
Comment: The variant is not observed in the gnomAD v4.1.0 dataset. Predicted Consequence/Location: Canonical splice site: predicted to alter splicing and result in a loss or disruption of normal protein function. Multiple pathogenic loss-of-function variants are reported downstream of the variant. In silico tools predict the variant to alter splicing and produce an abnormal transcript [SpliceAI: 1.00 (spliceogenicity >=0.2, non-spliceogenicity <0.1)]. Therefore, this variant is classified as Likely pathogenic according to the recommendation of ACMG/AMP guideline.

NM_198334.3(GANAB):c.1387-1G>A

Gene: GANAB (glucosidase II alpha subunit; minus strand). Cytogenetic location: 11q12.3.
Variant type: single nucleotide variant.
Coding change: c.1387-1G>A on transcript NM_198334.3 (MANE Select); the canonical splice acceptor site of the intron before coding-DNA position 1387, G replaced by A.
Molecular consequence: splice acceptor variant.
Genome position (GRCh38, 1-based): chr11:62,630,506, C>T on the plus strand (G>A on the coding strand, the complement: GANAB is on the minus strand). VCF-style: chr11-62630506-C-T. GRCh37 (hg19) VCF-style: chr11-62397978-C-T.
Other names: c.1045-1G>A (NM_001278193.2); c.1111-1G>A (NM_001278192.2); c.1096-1G>A (NM_001329223.2, NM_001278194.2, NM_001329222.2); c.664-1G>A (NM_001329225.2, NM_001329224.2); c.1453-1G>A (NM_198335.4).
Identifiers: ClinVar variation 4291752 (VCV004291752.1).